The following is an entry in ClinVar:

NM_020812.4(DOCK6):c.3310C>T (p.Arg1104Trp)

Gene: DOCK6 (dedicator of cytokinesis 6; minus strand). Cytogenetic location: 19p13.2.
Variant type: single nucleotide variant.
Coding change: c.3310C>T on transcript NM_020812.4 (MANE Select); coding-DNA position 3310, C replaced by T.
Protein change: p.Arg1104Trp; replaces arginine 1104 with tryptophan.
Molecular consequence: missense variant.
Genome position (GRCh38, 1-based): chr19:11,222,179, G>A on the plus strand (C>T on the coding strand, the complement: DOCK6 is on the minus strand). VCF-style: chr19-11222179-G-A. GRCh37 (hg19) VCF-style: chr19-11332855-G-A.
Other names: c.3415C>T, p.Arg1139Trp (NM_001367830.1); short protein forms R1104W, R1139W.
Identifiers: ClinVar variation 3672109 (VCV003672109.1).

ClinVar aggregate classification (germline): Uncertain significance (1 of 4 stars; one submission).

gnomAD v4.1: 50 of 1,609,168 alleles (0.0031%); highest among the groups gnomAD compares: African/African-American, 0.008%; no homozygotes.

Submission:

Labcorp Genetics (formerly Invitae), Labcorp
Classification: Uncertain significance. Last evaluated: 2024-11-05. Review status: criteria provided, single submitter. Criteria: Invitae Variant Classification Sherloc (09022015). Collection method: clinical testing. Allele origin: germline.
Comment: This sequence change replaces arginine, which is basic and polar, with tryptophan, which is neutral and slightly polar, at codon 1104 of the DOCK6 protein (p.Arg1104Trp). This variant is present in population databases (rs767376510, gnomAD 0.01%). This variant has not been reported in the literature in individuals affected with DOCK6-related conditions. Invitae Evidence Modeling of protein sequence and biophysical properties (such as structural, functional, and spatial information, amino acid conservation, physicochemical variation, residue mobility, and thermodynamic stability) indicates that this missense variant is not expected to disrupt DOCK6 protein function with a negative predictive value of 80%. In summary, the available evidence is currently insufficient to determine the role of this variant in disease. Therefore, it has been classified as a Variant of Uncertain Significance.